The following is an entry in ClinVar:

NM_001023570.4(IQCB1):c.1518_1519del (p.His506fs)

Gene: IQCB1 (IQ motif containing B1; minus strand). Cytogenetic location: 3q13.33.
Variant type: Microsatellite.
Coding change: c.1518_1519del on transcript NM_001023570.4 (MANE Select); coding-DNA positions 1518 to 1519, 2 bases deleted (CA; older notation c.1518_1519delCA).
Protein change: p.His506fs; shifts the reading frame from histidine 506.
Molecular consequence: frameshift variant. On other transcripts: non-coding transcript variant (1).
Genome position (GRCh38, 1-based): chr3:121,772,605-121,772,606, TG deleted on the plus strand (CA on the coding strand, the reverse complement: IQCB1 is on the minus strand); deleting any 2 consecutive bases within chr3:121,772,605-121,772,608 gives the same sequence; the c. name uses the placement nearest the transcript's 3' end. VCF-style (leftmost placement, unchanged base first): chr3-121772604-CTG-C. GRCh37 (hg19) VCF-style: chr3-121491451-CTG-C.
Other names: c.1518_1519delCA (NM_001023570.3); c.1119_1120del, p.His373fs (NM_001023571.4); c.1518_1519del, p.His506fs (NM_001319107.2); short protein forms H373fs, H506fs.
Identifiers: ClinVar variation 93469 (VCV000093469.30), dbSNP rs398123538, ClinGen allele CA201130.

ClinVar aggregate classification (germline): Pathogenic. Review status: criteria provided, multiple submitters, no conflicts (2 of 4 stars). 15 submissions from 15 submitters: Pathogenic (13). 2 of the submissions do not count toward it. Last evaluated 2026-08-01.

Conditions:
IQCB1-related disorder. Also called: IQCB1-related condition.
Retinal dystrophy. Also called: Inherited retinal dystrophy. Identifiers: Orphanet 71862, MedGen C0854723, MeSH D058499, MONDO:0019118, HP:0000556.
Nephronophthisis. Also called: Juvenile Nephronophthisis. Identifiers: Orphanet 655, MedGen C0687120, MONDO:0019005, HP:0000090.
Retinitis pigmentosa (RP). Identifiers: Orphanet 791, MedGen C0035334, MeSH D012174, MONDO:0019200, OMIM 268000. Inheritance: Autosomal dominant, autosomal recessive and X linked inheritance.
Senior-Loken syndrome 5 (SLSN5). Identifiers: Orphanet 3156, MedGen C1836517, MONDO:0012225, OMIM 609254.

Submissions (15):

PreventionGenetics, part of Exact Sciences
Classification: Pathogenic for IQCB1-related condition. Last evaluated: 2026-08-01. Review status: criteria provided, single submitter. Criteria: ACMG Guidelines, 2015. Collection method: clinical testing. Allele origin: germline.
Comment: The IQCB1 c.1518_1519delCA variant is predicted to result in a frameshift and premature protein termination (p.His506Glnfs*13). This variant has been reported to be pathogenic for Senior-Loken syndrome (see for example, Otto et al. 2005. PubMed ID: 15723066; Barbelanne et al. 2013. PubMed ID: 23446637; Sallum et al. 2020. PubMed ID: 32865313). This variant is reported in 0.017% of alleles in individuals of European (Non-Finnish) descent in gnomAD. Frameshift variants in IQCB1 are expected to be pathogenic. This variant is interpreted as pathogenic.

Institute of Human Genetics, University of Leipzig Medical Center
Classification: Pathogenic for Senior-Loken syndrome 5. Last evaluated: 2025-10-17. Review status: criteria provided, single submitter. Criteria: ACMG Guidelines, 2015. Collection method: clinical testing. Allele origin: unknown. Inheritance: Autosomal recessive inheritance. Affected: yes.
Comment: Criteria applied: PVS1_STR,PM3_STR,PM2; Identified as compund heterozygous with NM_001023570.4:c.394-2A>G

Labcorp Genetics (formerly Invitae), Labcorp
Classification: Pathogenic for Nephronophthisis. Last evaluated: 2025-04-28. Review status: criteria provided, single submitter. Criteria: Invitae Variant Classification Sherloc (09022015). Collection method: clinical testing. Allele origin: germline.
Comment: This sequence change creates a premature translational stop signal (p.His506Glnfs*13) in the IQCB1 gene. While this is not anticipated to result in nonsense mediated decay, it is expected to disrupt the last 93 amino acid(s) of the IQCB1 protein. This variant is present in population databases (rs398123538, gnomAD 0.02%). This premature translational stop signal has been observed in individuals with Senior-Loken syndrome or Leber congenital amaurosis (PMID: 15723066, 20881296). For these reasons, this variant has been classified as Pathogenic.

GeneDx
Classification: Pathogenic. Last evaluated: 2025-03-23. Review status: criteria provided, single submitter. Criteria: GeneDx Variant Classification Process June 2021. Collection method: clinical testing. Allele origin: germline. Affected: yes.
Comment: Frameshift variant predicted to result in abnormal protein length as the last 93 amino acids are replaced with 12 different amino acids, and other similar variants have been reported; Published functional studies found this variant is associated with impaired Cep290 interaction and mislocalization, and was unable to rescue ciliogenesis (PMID: 23446637); This variant is associated with the following publications: (PMID: 20881296, 21866095, 31429209, 32531858, 29453417, 28832562, 23559409, 31589614, 32865313, 31964843, 36426739, 37734845, 34906470, 38219857, 37230223, 23446637, 15723066)

Blueprint Genetics
Classification: Pathogenic for IQCB1-related disorders. Last evaluated: 2024-04-29. Review status: criteria provided, single submitter. Criteria: ACMG Guidelines, 2015. Collection method: clinical testing. Allele origin: germline. Affected: yes. Observed: 5 variant alleles.

Fulgent Genetics
Classification: Pathogenic for Senior-Loken syndrome 5. Last evaluated: 2024-02-05. Review status: criteria provided, single submitter. Criteria: ACMG Guidelines, 2015. Collection method: clinical testing. Allele origin: germline.

Daryl Scott Lab, Baylor College of Medicine
Classification: Pathogenic for Senior-Loken syndrome 5. Last evaluated: 2024-01-01. Review status: criteria provided, single submitter. Criteria: ACMG Guidelines, 2015. Collection method: clinical testing. Allele origin: maternal. Affected: yes. Observed: 1 heterozygote.
Comment: PVS1, PS4, PM3, PP1

3billion
Classification: Pathogenic for Senior-Loken syndrome 5. Last evaluated: 2022-01-03. Review status: criteria provided, single submitter. Criteria: ACMG Guidelines, 2015. Collection method: clinical testing. Allele origin: germline. Affected: yes. Observed: 1 homozygote.
Comment: Frameshift: predicted to result in a loss or disruption of normal protein function through protein truncation. Multiple pathogenic variants are reported in the predicted truncated region (PVS1_VS) The variant has been reported at least twice as pathogenic/likely pathogenic with clinical assertions and evidence for the classification (ClinVar ID: VCV000093469, PMID:15723066). It is observed at an extremely low frequency in the gnomAD v2.1.1 dataset (total allele frequency: 0.000085, PM2_M). Therefore, this variant is classified as pathogenic according to the recommendation of ACMG/AMP guideline.

Ocular Genomics Institute, Massachusetts Eye and Ear
Classification: Pathogenic for Senior-Loken syndrome 5. Last evaluated: 2021-04-08. Review status: criteria provided, single submitter. Criteria: ACMG Guidelines, 2015. Collection method: research. Allele origin: germline. Affected: yes.
Comment: Through a review of available evidence we were able to apply the following criteria: PVS1, PM3, PP1. Based on this evidence we have classified this variant as Pathogenic.

Institute of Medical Genetics and Applied Genomics, University Hospital Tübingen
Classification: Pathogenic. Last evaluated: 2020-10-23. Review status: criteria provided, single submitter. Criteria: ACMG Guidelines, 2015. Collection method: clinical testing. Allele origin: germline. Inheritance: Autosomal recessive inheritance. Affected: yes.

Institute of Human Genetics, Univ. Regensburg, Univ. Regensburg
Classification: Pathogenic for Retinal dystrophy. Last evaluated: 2020-01-01. Review status: criteria provided, single submitter. Criteria: ACMG Guidelines, 2015. Collection method: clinical testing. Allele origin: germline. Affected: yes.

Undiagnosed Diseases Network, NIH
Classification: Pathogenic for Senior-Loken syndrome 5. Last evaluated: 2017-05-23. Review status: criteria provided, single submitter. Criteria: ACMG Guidelines, 2015. Collection method: clinical testing. Allele origin: paternal. Inheritance: Autosomal recessive inheritance. Affected: yes. Observed: 2 variant alleles, 2 compound heterozygotes. Clinical features observed: Stage 5 chronic kidney disease (HP:0003774), Large central visual field defect (HP:0001129), Hyperpigmented nevi (HP:0007481), Abnormal retinal morphology (HP:0000479). Study: Undiagnosed Diseases Network (NIH), UDN.
Comment: The paternally-inherited c.1518_1519delCA is a frameshift variant, which is predicted to result in loss of function in the IQCB1 gene where loss of function is a known mechanism of Senior-Loken syndrome 5, OMIM 609254.

Eurofins Ntd Llc (ga)
Classification: Pathogenic. Last evaluated: 2013-06-21. Review status: criteria provided, single submitter. Criteria: EGL Classification Definitions. Collection method: clinical testing. Allele origin: germline. Observed: 1 variant allele, 1 heterozygote.

Department of Clinical Genetics, Copenhagen University Hospital, Rigshospitalet
Classification: Likely pathogenic for Retinitis pigmentosa. Last evaluated: 2018-04-01. Review status: no assertion criteria provided. Collection method: research. Allele origin: unknown. Affected: yes. Study: VeluxRD. Not counted in ClinVar's aggregate classification.

OMIM
Classification: Pathogenic for SENIOR-LOKEN SYNDROME 5. Last evaluated: 2011-01-01. Review status: no assertion criteria provided. Collection method: literature only. Allele origin: germline. Not counted in ClinVar's aggregate classification.

Literature cited by the submitters: PubMed 15723066 (cited by 4 submitters); PubMed 20881296 (cited by 3 submitters); PubMed 30718709 (cited by Ocular Genomics Institute, Massachusetts Eye and Ear and Department of Clinical Genetics, Copenhagen University Hospital, Rigshospitalet); PubMed 21220633 (cited by Ocular Genomics Institute, Massachusetts Eye and Ear and OMIM); PubMed 21866095 (cited by Institute of Human Genetics, Univ. Regensburg, Univ. Regensburg); PubMed 23446637 (cited by Institute of Human Genetics, Univ. Regensburg, Univ. Regensburg); PubMed 28832562 (cited by Institute of Human Genetics, Univ. Regensburg, Univ. Regensburg); PubMed 29453417 (cited by Institute of Human Genetics, Univ. Regensburg, Univ. Regensburg); PubMed 31589614 (cited by Institute of Human Genetics, Univ. Regensburg, Univ. Regensburg); PubMed 31964843 (cited by Institute of Human Genetics, Univ. Regensburg, Univ. Regensburg); PubMed 31429209 (cited by Institute of Human Genetics, Univ. Regensburg, Univ. Regensburg); PubMed 32865313 (cited by Institute of Human Genetics, Univ. Regensburg, Univ. Regensburg); PubMed 32531858 (cited by Institute of Human Genetics, Univ. Regensburg, Univ. Regensburg); PubMed 36426739 (cited by Institute of Human Genetics, Univ. Regensburg, Univ. Regensburg).